The following is an entry in ClinVar:

ClinVar aggregate classification (germline): Benign/Likely benign. Review status: criteria provided, multiple submitters, no conflicts (2 of 4 stars). 9 submissions from 9 submitters: Benign (1); Likely benign (8). Last evaluated 2026-04-18.

Conditions:
ATM-related disorder. Also called: ATM-related disorders; ATM-related condition.
Hereditary cancer-predisposing syndrome. Also called: Neoplastic Syndromes, Hereditary; Tumor predisposition; Hereditary neoplastic syndrome; Hereditary Cancer Syndrome. Identifiers: Orphanet 140162, MedGen C0027672, MeSH D009386, MONDO:0015356.
Familial cancer of breast. Also called: Hereditary breast cancer; BREAST CANCER, FAMILIAL; hereditary breast carcinoma. Identifiers: Orphanet 227535, MedGen C0346153, MONDO:0016419, OMIM 114480. Disease mechanism: loss of function.
Ataxia-telangiectasia syndrome (AT). Also called: Cerebello-oculocutaneous telangiectasia; Immunodeficiency with ataxia telangiectasia; AT, COMPLEMENTATION GROUP C; LOUIS-BAR SYNDROME; Ataxia-telangiectasia, complementation group E; ATAXIA-TELANGIECTASIA, COMPLEMENTATION GROUP A. Identifiers: Orphanet 100, MedGen C0004135, MONDO:0008840, OMIM 208900.

Allele frequency attached by ClinVar (database versions not stated): gnomAD 0.00001; gnomAD exomes 0.00001 and 0.00002; TOPMed 0.00001; ExAC 0.00002.
gnomAD v4.1: 6 of 1,613,822 alleles (0.00037%); highest among the groups gnomAD compares: Admixed American, 0.01%; no homozygotes.

Submissions (9):

PreventionGenetics, part of Exact Sciences
Classification: Likely benign for ATM-related condition. Last evaluated: 2026-04-18. Review status: criteria provided, single submitter. Criteria: ACMG Guidelines, 2015. Collection method: clinical testing. Allele origin: germline.
Comment: This variant is classified as likely benign based on ACMG/AMP sequence variant interpretation guidelines (Richards et al. 2015 PMID: 25741868, with internal and published modifications).

Labcorp Genetics (formerly Invitae), Labcorp
Classification: Likely benign for Ataxia-telangiectasia syndrome. Last evaluated: 2025-12-23. Review status: criteria provided, single submitter. Criteria: Invitae Variant Classification Sherloc (09022015). Collection method: clinical testing. Allele origin: germline.

Women's Health and Genetics/Laboratory Corporation of America, LabCorp
Classification: Likely benign. Last evaluated: 2024-10-06. Review status: criteria provided, single submitter. Criteria: LabCorp Variant Classification Summary - May 2015. Collection method: clinical testing. Allele origin: germline.

Myriad Genetics, Inc.
Classification: Benign for Familial cancer of breast. Last evaluated: 2024-05-21. Review status: criteria provided, single submitter. Criteria: Myriad Autosomal Dominant, Autosomal Recessive and X-Linked Classification Criteria (2023). Collection method: clinical testing. Allele origin: unknown.
Comment: This variant is considered benign. This variant is a silent/synonymous amino acid change and it is not expected to impact splicing.

Blueprint Genetics
Classification: Likely benign. Last evaluated: 2020-11-19. Review status: criteria provided, single submitter. Criteria: ACMG Guidelines, 2015. Collection method: clinical testing. Allele origin: germline.

Color Diagnostics, LLC DBA Color Health
Classification: Likely benign for Hereditary cancer-predisposing syndrome. Last evaluated: 2019-08-02. Review status: criteria provided, single submitter. Criteria: ACMG Guidelines, 2015. Collection method: clinical testing. Allele origin: germline.

GeneDx
Classification: Likely benign. Last evaluated: 2019-07-17. Review status: criteria provided, single submitter. Criteria: GeneDx Variant Classification Process June 2021. Collection method: clinical testing. Allele origin: germline. Affected: yes.

ARUP Laboratories, Molecular Genetics and Genomics, ARUP Laboratories
Classification: Likely benign. Last evaluated: 2018-06-13. Review status: criteria provided, single submitter. Criteria: ARUP Molecular Germline Variant Investigation Process. Collection method: clinical testing. Allele origin: germline.
Comment: The ATM c.4878T>C; p.Asp1626Asp variant (rs755687834), to our knowledge, is not reported in the medical literature but is reported as likely benign in ClinVar (Variation ID: 187337). This variant is found in the general Latino population with an allele frequency of 0.01% (4/33576 alleles), in the Genome Aggregation Database. This is a synonymous variant in a weakly conserved nucleotide, and computational analyses (Alamut v.2.11) predict that this variant does not alter splicing. Based on available information, this variant is considered to be likely benign.

Ambry Genetics
Classification: Likely benign for Hereditary cancer-predisposing syndrome. Last evaluated: 2014-12-05. Review status: criteria provided, single submitter. Criteria: Ambry Variant Classification Scheme 2023. Collection method: clinical testing. Allele origin: germline.

NM_000051.4(ATM):c.4878T>C (p.Asp1626=)

Gene: ATM (ATM serine/threonine kinase; plus strand). Cytogenetic location: 11q22.3.
Variant type: single nucleotide variant.
Coding change: c.4878T>C on transcript NM_000051.4 (MANE Select); coding-DNA position 4878, T replaced by C.
Protein change: p.Asp1626=; no amino-acid change (aspartic acid 1626 retained).
Molecular consequence: synonymous variant.
Genome position (GRCh38, 1-based): chr11:108,295,028, T>C. VCF-style: chr11-108295028-T-C. GRCh37 (hg19) VCF-style: chr11-108165755-T-C.
Other names: c.4878T>C, p.Asp1626= (NM_001351834.2).
Identifiers: ClinVar variation 187337 (VCV000187337.30), dbSNP rs755687834, ClinGen allele CA197385.
Genomic context (GRCh38, chr11:108,295,028, plus strand): 5'-TCCATTGACAAGACTTGAAGGACTAAAGGATCTTCGAAGACAACTGGAACTACATAAAGA[T>C]CAGATGGTGGACATTATGAGAGCTTCTCAGGGTGCTAATTTTAAATGACATGGGCTATTT-3'
Protein context (NP_000042.3, residues 1616-1636): DLRRQLELHK[Asp1626=]QMVDIMRASQ